The following is an entry in ClinVar:

NM_173825.5(RABL3):c.46+6C>T

Genes: RABL3 (RAB, member of RAS oncogene family like 3; minus strand), LOC112872291 (Sharpr-MPRA regulatory region 5916; plus strand). Cytogenetic location: 3q13.33.
Variant type: single nucleotide variant.
Coding change: c.46+6C>T on transcript NM_173825.5 (MANE Select); 6 bases into the intron after coding-DNA position 46, C replaced by T.
Molecular consequence: intron variant.
Genome position (GRCh38, 1-based): chr3:120,742,456, G>A on the plus strand (C>T on the coding strand, the complement: RABL3 is on the minus strand). VCF-style: chr3-120742456-G-A. GRCh37 (hg19) VCF-style: chr3-120461303-G-A.
Other names: c.46+6C>T (NM_001363964.1, NM_001363965.1).
Identifiers: ClinVar variation 3051382 (VCV003051382.2), dbSNP rs772553183, ClinGen allele CA2560656.
Genomic context (GRCh38, chr3:120,742,456, plus strand): 5'-CTAAGGGGAGGGTTACTGGGTAACTCAAAAGTGTCTGGAGCCCCAGAGGTAGGGTAAGCC[G>A]CTCACCTGAGTCTCCCAACACCAGTACCTTCACCCGATCCAGGGACGCCATCTTGCCACT-3'

ClinVar aggregate classification (germline): Likely benign (0 of 4 stars; one submission).

Conditions:
RABL3-related disorder. Also called: RABL3-related condition.

Allele frequency attached by ClinVar (database versions not stated): ExAC 0.00002; gnomAD 0.00007.

Submission:

PreventionGenetics, part of Exact Sciences
Classification: Likely benign for RABL3-related condition. Last evaluated: 2022-02-22. Review status: no assertion criteria provided. Collection method: clinical testing. Allele origin: germline.
Comment: This variant is classified as likely benign based on ACMG/AMP sequence variant interpretation guidelines (Richards et al. 2015 PMID: 25741868, with internal and published modifications).